The following is an entry in ClinVar:

NM_017780.4(CHD7):c.8056A>G (p.Thr2686Ala)

Gene: CHD7 (chromodomain helicase DNA binding protein 7; plus strand). Cytogenetic location: 8q12.2.
Variant type: single nucleotide variant.
Coding change: c.8056A>G on transcript NM_017780.4 (MANE Select); coding-DNA position 8056, A replaced by G.
Protein change: p.Thr2686Ala; replaces threonine 2686 with alanine.
Molecular consequence: missense variant.
Genome position (GRCh38, 1-based): chr8:60,862,632, A>G. VCF-style: chr8-60862632-A-G. GRCh37 (hg19) VCF-style: chr8-61775191-A-G.
Other names: c.1909A>G, p.Thr637Ala (NM_001316690.1); c.8056A>G (NM_017780.3); short protein forms T637A, T2686A.
Identifiers: ClinVar variation 2725331 (VCV002725331.6), dbSNP rs1806052884, ClinGen allele CA371305963.
Genomic context (GRCh38, chr8:60,862,632, plus strand): 5'-ATGAAGGATCTACCCAGGTGGCTGGAAGAAAATCCTGAATTTGCAGTTGCTCCAGACTGG[A>G]CTGATATAGTTAAGCAGTCTGTAAGTACAAACTGCATTTCTATCAAGAAAGGTAGCTATA-3'
Protein context (NP_060250.2, residues 2676-2696): NPEFAVAPDW[Thr2686Ala]DIVKQSGFVP

ClinVar aggregate classification (germline): Uncertain significance. Review status: criteria provided, multiple submitters, no conflicts (2 of 4 stars). 4 submissions from 4 submitters: Uncertain significance (4). Last evaluated 2025-09-22.

Conditions:
Inborn genetic diseases. Identifiers: MedGen C0950123, MeSH D030342.
CHARGE syndrome (CHARGE). Also called: Hittner Hirsch Kreh syndrome; CHARGE ASSOCIATION--COLOBOMA, HEART ANOMALY, CHOANAL ATRESIA, RETARDATION, GENITAL AND EAR ANOMALIES; Coloboma, heart anomaly, choanal atresia, retardation, genital and ear anomalies; CHARGE association; Hall-Hittner syndrome. Identifiers: Orphanet 138, MedGen C0265354, MONDO:0008965.

Allele frequency attached by ClinVar (database versions not stated): gnomAD exomes below 0.00001.
gnomAD v4.1: 1 of 1,565,692 alleles (0.000064%); highest among the groups gnomAD compares: Non-Finnish European, 0.000087%; no homozygotes.

Submissions (4):

Ambry Genetics
Classification: Uncertain significance for Inborn genetic diseases. Last evaluated: 2025-09-22. Review status: criteria provided, single submitter. Criteria: Ambry Variant Classification Scheme 2023. Collection method: clinical testing. Allele origin: germline.

Labcorp Genetics (formerly Invitae), Labcorp
Classification: Uncertain significance for CHARGE syndrome. Last evaluated: 2024-06-03. Review status: criteria provided, single submitter. Criteria: Invitae Variant Classification Sherloc (09022015). Collection method: clinical testing. Allele origin: germline.
Comment: This sequence change replaces threonine, which is neutral and polar, with alanine, which is neutral and non-polar, at codon 2686 of the CHD7 protein (p.Thr2686Ala). This variant is not present in population databases (gnomAD no frequency). This variant has not been reported in the literature in individuals affected with CHD7-related conditions. Advanced modeling of protein sequence and biophysical properties (such as structural, functional, and spatial information, amino acid conservation, physicochemical variation, residue mobility, and thermodynamic stability) performed at Invitae indicates that this missense variant is not expected to disrupt CHD7 protein function with a negative predictive value of 95%. In summary, the available evidence is currently insufficient to determine the role of this variant in disease. Therefore, it has been classified as a Variant of Uncertain Significance.

Department of Pathology and Laboratory Medicine, Sinai Health System
Classification: Uncertain significance for CHARGE syndrome. Last evaluated: 2023-09-06. Review status: criteria provided, single submitter. Criteria: ACMG Guidelines, 2015. Collection method: research. Allele origin: germline.

Blueprint Genetics
Classification: Uncertain significance. Last evaluated: 2020-11-03. Review status: criteria provided, single submitter. Criteria: ACMG Guidelines, 2015. Collection method: clinical testing. Allele origin: germline.